The following is an entry in ClinVar:

NM_000038.6(APC):c.7682dup (p.Ser2562fs)

Gene: APC (APC regulator of Wnt signaling pathway; plus strand). Cytogenetic location: 5q22.2.
Variant type: Duplication.
Coding change: c.7682dup on transcript NM_000038.6 (MANE Select); coding-DNA position 7682, one base duplicated (T; older notation c.7682dupT).
Protein change: p.Ser2562fs; shifts the reading frame from serine 2562.
Molecular consequence: frameshift variant. On other transcripts: non-coding transcript variant (2).
Genome position (GRCh38, 1-based): chr5:112,843,276, T duplicated. VCF-style (leftmost placement, unchanged base first): chr5-112843275-G-GT. GRCh37 (hg19) VCF-style: chr5-112178972-G-GT.
Other names: c.7682dup, p.Ser2562fs (NM_001127510.3, NM_001354895.2, NM_001407450.1); c.7628dup, p.Ser2544fs (NM_001127511.3); c.7736dup, p.Ser2580fs (NM_001354896.2, NM_001407447.1, NM_001407448.1 and 1 more transcripts); c.7712dup, p.Ser2572fs (NM_001354897.2); c.7607dup, p.Ser2537fs (NM_001354898.2); c.7598dup, p.Ser2534fs (NM_001354899.2); c.7559dup, p.Ser2521fs (NM_001354900.2); c.7505dup, p.Ser2503fs (NM_001354901.2, NM_001407453.1); and 11 more; short protein forms S2178fs, S2279fs, S2402fs, S2433fs, S2436fs, S2461fs, S2471fs, S2479fs.
Identifiers: ClinVar variation 2583272 (VCV002583272.2), dbSNP rs2533812251, ClinGen allele CA2582341632.
Genomic context (GRCh38, chr5:112,843,275, plus strand): 5'-ATCAATAGGTCAGGAACCTGGAAACGTGAGCACAGCAAACATTCATCATCCCTTCCTCGA[G>GT]TAAGCACTTGGAGAAGAACTGGAAGTTCATCTTCAATTCTTTCTGCTTCATCAGAATCCA-3'

ClinVar aggregate classification (germline): Pathogenic (1 of 4 stars; one submission).

Conditions:
Familial adenomatous polyposis 1 (FAP1). Also called: POLYPOSIS, ADENOMATOUS INTESTINAL; FAMILIAL ADENOMATOUS POLYPOSIS 1, ATTENUATED. Identifiers: MedGen C2713442, MONDO:0021056, OMIM 175100. Disease mechanism: loss of function.

Submission:

Myriad Genetics, Inc.
Classification: Pathogenic for Familial adenomatous polyposis 1. Last evaluated: 2023-05-16. Review status: criteria provided, single submitter. Criteria: Myriad Autosomal Dominant, Autosomal Recessive and X-Linked Classification Criteria (2023). Collection method: clinical testing. Allele origin: unknown.
Comment: This variant is considered pathogenic. This variant creates a frameshift predicted to result in premature protein truncation.